The following is an entry in ClinVar:

ClinVar aggregate classification (germline): Likely benign. Review status: criteria provided, multiple submitters, no conflicts (2 of 4 stars). 2 submissions from 2 submitters: Likely benign (2). Last evaluated 2025-11-01.

Conditions:
Dilated cardiomyopathy 1G (CMD1G). Identifiers: Orphanet 154, MedGen C1858763, MONDO:0011400, OMIM 604145.
Autosomal recessive limb-girdle muscular dystrophy type 2J (LGMDR10). Also called: Limb-girdle muscular dystrophy, type 2J; MUSCULAR DYSTROPHY, LIMB-GIRDLE, AUTOSOMAL RECESSIVE 10. Identifiers: Orphanet 140922, MedGen C1837342, MONDO:0012127, OMIM 608807.

Allele frequency attached by ClinVar (database versions not stated): gnomAD exomes below 0.00001; TOPMed 0.00001.
gnomAD v4.1: 2 of 1,613,856 alleles (0.00012%); highest among the groups gnomAD compares: Admixed American, 0.0033%; no homozygotes.

Submissions (2):

CeGaT Center for Human Genetics Tuebingen
Classification: Likely benign. Last evaluated: 2025-11-01. Review status: criteria provided, single submitter. Criteria: CeGaT Center For Human Genetics Tuebingen Variant Classification Criteria Version 2. Collection method: clinical testing. Allele origin: germline. Affected: yes. Observed: 1 variant allele.
Comment: TTN: BP4, BP7

Labcorp Genetics (formerly Invitae), Labcorp
Classification: Likely benign for Dilated cardiomyopathy 1G; Autosomal recessive limb-girdle muscular dystrophy type 2J. Last evaluated: 2024-05-13. Review status: criteria provided, single submitter. Criteria: Invitae Variant Classification Sherloc (09022015). Collection method: clinical testing. Allele origin: germline.

NM_001267550.2(TTN):c.88545A>G (p.Leu29515=)

Genes: TTN (titin; minus strand), TTN-AS1 (TTN antisense RNA 1; plus strand). Cytogenetic location: 2q31.2.
Variant type: single nucleotide variant.
Coding change: c.88545A>G on transcript NM_001267550.2 (MANE Select); coding-DNA position 88545, A replaced by G.
Protein change: p.Leu29515=; no amino-acid change (leucine 29515 retained).
Molecular consequence: synonymous variant.
Genome position (GRCh38, 1-based): chr2:178,554,914, T>C on the plus strand (A>G on the coding strand, the complement: TTN is on the minus strand). VCF-style: chr2-178554914-T-C. GRCh37 (hg19) VCF-style: chr2-179419641-T-C.
Other names: c.83622A>G, p.Leu27874= (NM_001256850.1); c.61350A>G, p.Leu20450= (NM_003319.4); c.80841A>G, p.Leu26947= (NM_133378.4); c.61725A>G, p.Leu20575= (NM_133432.3); c.61926A>G, p.Leu20642= (NM_133437.4).
Identifiers: ClinVar variation 535418 (VCV000535418.16), dbSNP rs1553547309, ClinGen allele CA430246635.